The following is an entry in ClinVar:

NM_000535.7(PMS2):c.129A>G (p.Val43=)

Gene: PMS2 (PMS1 homolog 2, mismatch repair system component; minus strand). Cytogenetic location: 7p22.1.
Variant type: single nucleotide variant.
Coding change: c.129A>G on transcript NM_000535.7 (MANE Select); coding-DNA position 129, A replaced by G.
Protein change: p.Val43=; no amino-acid change (valine 43 retained).
Molecular consequence: synonymous variant. On other transcripts: 5 prime UTR variant (38), non-coding transcript variant (1), intron variant (7).
Genome position (GRCh38, 1-based): chr7:6,005,926, T>C on the plus strand (A>G on the coding strand, the complement: PMS2 is on the minus strand). VCF-style: chr7-6005926-T-C. GRCh37 (hg19) VCF-style: chr7-6045557-T-C.
Other names: c.-756A>G (NM_001322012.2, NM_001322011.2); c.-277A>G (NM_001322013.2, NM_001018040.1, NM_001322003.2 and 11 more transcripts); c.129A>G, p.Val43= (NM_001322014.2, NM_001406868.1, NM_001406872.1 and 10 more transcripts); c.-356A>G (NM_001322015.2, NM_001406875.1, NM_001406877.1 and 2 more transcripts); c.315A>G, p.Val105= (NM_001406866.1); c.-87A>G (NM_001322007.2, NM_001406876.1, NM_001406883.1 and 4 more transcripts); c.-303A>G (NM_001406880.1); c.-224A>G (NM_001406888.1, NM_001406889.1, NM_001406892.1 and 5 more transcripts); and 7 more.
Identifiers: ClinVar variation 2451628 (VCV002451628.3), dbSNP rs2536583332, ClinGen allele CA453650072.

ClinVar aggregate classification (germline): Benign/Likely benign. Review status: criteria provided, multiple submitters, no conflicts (2 of 4 stars). 2 submissions from 2 submitters: Benign (1); Likely benign (1). Last evaluated 2025-01-23.

Conditions:
Lynch syndrome 4 (LYNCH4). Also called: Colorectal cancer, hereditary nonpolyposis, type 4; Hereditary non-polyposis colorectal cancer, type 4. Identifiers: Orphanet 144, MedGen C1838333, MONDO:0013699, OMIM 614337. Disease mechanism: loss of function.
Hereditary cancer-predisposing syndrome. Also called: Neoplastic Syndromes, Hereditary; Tumor predisposition; Hereditary neoplastic syndrome; Hereditary Cancer Syndrome. Identifiers: Orphanet 140162, MedGen C0027672, MeSH D009386, MONDO:0015356.

Submissions (2):

Myriad Genetics, Inc.
Classification: Benign for Lynch syndrome 4. Last evaluated: 2025-01-23. Review status: criteria provided, single submitter. Criteria: Myriad Autosomal Dominant, Autosomal Recessive and X-Linked Classification Criteria (2023). Collection method: clinical testing. Allele origin: unknown.
Comment: This variant is considered benign. This variant is a silent/synonymous amino acid change and it is not expected to impact splicing.

Ambry Genetics
Classification: Likely benign for Hereditary cancer-predisposing syndrome. Last evaluated: 2023-02-24. Review status: criteria provided, single submitter. Criteria: Ambry Variant Classification Scheme 2023. Collection method: clinical testing. Allele origin: germline.